The following is an entry in ClinVar:

ClinVar aggregate classification (germline): Pathogenic (1 of 4 stars; one submission).

Conditions:
Tuberous sclerosis 2 (TSC2). Identifiers: Orphanet 805, MedGen C1860707, MONDO:0013199, OMIM 613254.

Submission:

Labcorp Genetics (formerly Invitae), Labcorp
Classification: Pathogenic for Tuberous sclerosis 2. Last evaluated: 2017-10-23. Review status: criteria provided, single submitter. Criteria: Invitae Variant Classification Sherloc (09022015). Collection method: clinical testing. Allele origin: germline.
Comment: This sequence change creates a premature translational stop signal (p.Ser1388Argfs*4) in the TSC2 gene. It is expected to result in an absent or disrupted protein product. This variant is not present in population databases (ExAC no frequency). This variant has not been reported in the literature in individuals with TSC2-related disease. Loss-of-function variants in TSC2 are known to be pathogenic (PMID: 10205261, 17304050). For these reasons, this variant has been classified as Pathogenic.

Literature cited by the submitters: PubMed 10205261; PubMed 17304050.

NM_000548.5(TSC2):c.4135_4160dup (p.Ser1387_Ser1388insArgSerProTer)

Gene: TSC2 (TSC complex subunit 2; plus strand). Cytogenetic location: 16p13.3.
Variant type: Duplication.
Coding change: c.4135_4160dup on transcript NM_000548.5 (MANE Select); coding-DNA positions 4135 to 4160, 26 bases duplicated (TCGCAGCCCCTGAGCAAGTCCAGCTC).
Protein change: p.Ser1387_Ser1388insArgSerProTer.
Molecular consequence: nonsense, inframe insertion.
Genome position (GRCh38, 1-based): chr16:2,084,357-2,084,382, TCGCAGCCCCTGAGCAAGTCCAGCTC duplicated; duplicating any 26 consecutive bases within chr16:2,084,356-2,084,382 gives the same sequence; the c. name uses the placement nearest the transcript's 3' end. VCF-style (leftmost placement, unchanged base first): chr16-2084355-C-CCTCGCAGCCCCTGAGCAAGTCCAGCT. GRCh37 (hg19) VCF-style: chr16-2134356-C-CCTCGCAGCCCCTGAGCAAGTCCAGCT.
Other names: c.3934_3959dup, p.Ser1320_Ser1321insArgSerProTer (NM_001077183.3); c.4066_4091dup, p.Ser1364_Ser1365insArgSerProTer (NM_001114382.3); c.3826_3851dup, p.Ser1284_Ser1285insArgSerProTer (NM_001318827.2); c.3790_3815dup, p.Ser1272_Ser1273insArgSerProTer (NM_001318829.2); c.3403_3428dup, p.Ser1143_Ser1144insArgSerProTer (NM_001318831.2); c.3967_3992dup, p.Ser1331_Ser1332insArgSerProTer (NM_001318832.2); c.3937_3962dup, p.Ser1321_Ser1322insArgSerProTer (NM_001363528.2); c.4003_4028dup, p.Ser1343_Ser1344insArgSerProTer (NM_001370404.1); and 1 more.
Identifiers: ClinVar variation 535912 (VCV000535912.6), dbSNP rs1555514034, ClinGen allele CA658798479.
Genomic context (GRCh38, chr16:2,084,355, plus strand): 5'-CCATCGAGCGAGTCGTCTCCTCGGAGGGTGGCCGGCCCTCTGTGGACCTCTCCTTCCAGC[C>CCTCGCAGCCCCTGAGCAAGTCCAGCT]CTCGCAGCCCCTGAGCAAGTCCAGCTCCTCTCCCGAGCTGCAGACTCTGCAGGACATCCT-3'